The following is an entry in ClinVar:

NM_000404.4(GLB1):c.319T>C (p.Phe107Leu)

Gene: GLB1 (galactosidase beta 1; minus strand). Cytogenetic location: 3p22.3.
Variant type: single nucleotide variant.
Coding change: c.319T>C on transcript NM_000404.4 (MANE Select); coding-DNA position 319, T replaced by C.
Protein change: p.Phe107Leu; replaces phenylalanine 107 with leucine.
Molecular consequence: missense variant. On other transcripts: intron variant (1).
Genome position (GRCh38, 1-based): chr3:33,068,897, A>G on the plus strand (T>C on the coding strand, the complement: GLB1 is on the minus strand). VCF-style: chr3-33068897-A-G. GRCh37 (hg19) VCF-style: chr3-33110389-A-G.
Other names: c.229T>C, p.Phe77Leu (NM_001079811.3); c.463T>C, p.Phe155Leu (NM_001317040.2); c.319T>C, p.Phe107Leu (NM_001393580.1); c.246-3340T>C (NM_001135602.3); c.319T>C (NM_000404.3); short protein forms F107L, F155L, F77L.
Identifiers: ClinVar variation 68478 (VCV000068478.10), dbSNP rs397515616, ClinGen allele CA145198.
Genomic context (GRCh38, chr3:33,068,897, plus strand): 5'-AGATGTAGGGCCCGGGCCTCAGGATAACCAGCAGTCCCAGCTCATGAGCCAGCCGAAGAA[A>G]ATATTCCACATCATGGTCCTCAGAAAACTGGTACTGTCCTGGCCAGGGCTCATGAAAGTT-3'
Protein context (NP_000395.3, residues 97-117): QFSEDHDVEY[Phe107Leu]LRLAHELGLL

ClinVar aggregate classification (germline): Likely pathogenic. Review status: criteria provided, multiple submitters, no conflicts (2 of 4 stars). 6 submissions from 6 submitters: Likely pathogenic (5). 1 of the submissions does not count toward it. Last evaluated 2025-10-08.

Conditions:
GM1 gangliosidosis. Identifiers: Orphanet 354, MedGen C0085131, MONDO:0018149.
GM1 gangliosidosis type 3. Also called: GANGLIOSIDOSIS, GENERALIZED GM1, ADULT TYPE; GANGLIOSIDOSIS, GENERALIZED GM1, CHRONIC TYPE; GANGLIOSIDOSIS, GENERALIZED GM1, TYPE III; Beta-galactosidase deficiency; Adult GM1 gangliosidosis; Type 3 (adult) GM1 gangliosidosis. Identifiers: Orphanet 79257, MedGen C0268273, MONDO:0009262, OMIM 230650.
Mucopolysaccharidosis, MPS-IV-B (MPS4B). Also called: Mucopolysaccharidosis Type IVB (Morquio B Disease); Mucopolysaccharidosis type 4B; Mucopolysaccharidosis type IVB (Morquio); MPS IVB; Mucopolysaccharidosis type IV B; MORQUIO SYNDROME B. Identifiers: Orphanet 309310, Orphanet 582, MedGen C0086652, MONDO:0009660, OMIM 253010.
GM1 gangliosidosis type 2. Also called: GANGLIOSIDOSIS, GENERALIZED GM1, JUVENILE TYPE; GANGLIOSIDOSIS, GENERALIZED GM1, TYPE II; Juvenile GM>1< gangliosidosis; Gangliosidosis, Generalized GM1, Type 2; GM1-GANGLIOSIDOSIS, TYPE II. Identifiers: Orphanet 354, Orphanet 79256, MedGen C0268272, MONDO:0009261, OMIM 230600.
Infantile GM1 gangliosidosis. Also called: GM1-gangliosidosis, type I; Gangliosidosis, generalized GM1, infantile form; GLB1 deficiency; GM1 gangliosidosis type 1; Gangliosidosis, Generalized GM1, Type 1. Identifiers: Orphanet 354, Orphanet 79255, MedGen C0268271, MONDO:0009260, OMIM 230500.
Inborn genetic diseases. Identifiers: MedGen C0950123, MeSH D030342.

Allele frequency attached by ClinVar (database versions not stated): gnomAD exomes below 0.00001.
gnomAD v4.1: 1 of 1,614,142 alleles (0.000062%); highest among the groups gnomAD compares: Non-Finnish European, 0.000085%; no homozygotes.

Submissions (6):

Natera, Inc.
Classification: Likely pathogenic for Mucopolysaccharidosis, MPS-IV-B. Last evaluated: 2025-10-08. Review status: criteria provided, single submitter. Criteria: Natera Variant Classification Schema (03/2026). Collection method: clinical testing. Allele origin: germline.
Comment: The c.319T>C variant in GLB1 is a missense variant predicted to cause substitution of phenylalanine to leucine at amino acid 107. This variant is rare in the general population with a frequency below the threshold expected for the associated phenotype(s). This variant has been observed in one or more individuals affected with the associated recessive disease, as either homozygous or compound heterozygous with a second variant (PMID: 20175788, 34514040). This variant has been observed to segregate in affected family members (PMID: 34514040). Functional studies show that this variant may disrupt protein function (PMID: 20175788, 23337983, 21520340). Computational prediction algorithms indicate this variant is likely to affect gene or protein function. Given the available evidence, this variant is classified as Likely Pathogenic.

Fulgent Genetics
Classification: Likely pathogenic for Infantile GM1 gangliosidosis; GM1 gangliosidosis type 2; GM1 gangliosidosis type 3; Mucopolysaccharidosis, MPS-IV-B. Last evaluated: 2024-05-01. Review status: criteria provided, single submitter. Criteria: ACMG Guidelines, 2015. Collection method: clinical testing. Allele origin: germline.

Women's Health and Genetics/Laboratory Corporation of America, LabCorp
Classification: Likely pathogenic for GM1 gangliosidosis. Last evaluated: 2024-04-22. Review status: criteria provided, single submitter. Criteria: LabCorp Variant Classification Summary - May 2015. Collection method: clinical testing. Allele origin: germline.
Comment: Variant summary: GLB1 c.319T>C (p.Phe107Leu) results in a non-conservative amino acid change located in the Glycoside hydrolase 35, catalytic domain (IPR031330) of the encoded protein sequence. Five of five in-silico tools predict a damaging effect of the variant on protein function. The variant allele was found at a frequency of 4e-06 in 249514 control chromosomes. c.319T>C has been reported in the literature in compound heterozygous individuals affected with GM1 Gangliosidosis with second variants in trans and cis to the variant (e.g. Hofer_2010, Kannebley_2015). At least one publication reports experimental evidence evaluating an impact on protein function. The most pronounced variant effect results in <10% of normal beta-galactosidase enzyme activity in both transfected COS-1 cells and in compound heterozygous patient fibroblasts with a second variant with null enzyme activity (e.g. Hofer_2010). The following publications have been ascertained in the context of this evaluation (PMID: 20175788, 26108645). ClinVar contains an entry for this variant (Variation ID: 68478). Based on the evidence outlined above, the variant was classified as likely pathogenic.

Labcorp Genetics (formerly Invitae), Labcorp
Classification: Likely pathogenic for Mucopolysaccharidosis, MPS-IV-B; GM1 gangliosidosis. Last evaluated: 2023-02-04. Review status: criteria provided, single submitter. Criteria: Invitae Variant Classification Sherloc (09022015). Collection method: clinical testing. Allele origin: germline.
Comment: In summary, the currently available evidence indicates that the variant is pathogenic, but additional data are needed to prove that conclusively. Therefore, this variant has been classified as Likely Pathogenic. Experimental studies have shown that this missense change affects GLB1 function (PMID: 20175788). Advanced modeling of protein sequence and biophysical properties (such as structural, functional, and spatial information, amino acid conservation, physicochemical variation, residue mobility, and thermodynamic stability) performed at Invitae indicates that this missense variant is expected to disrupt GLB1 protein function. ClinVar contains an entry for this variant (Variation ID: 68478). This missense change has been observed in individual(s) with GLB1-related conditions (PMID: 20175788). This variant is present in population databases (rs397515616, gnomAD 0.0009%). This sequence change replaces phenylalanine, which is neutral and non-polar, with leucine, which is neutral and non-polar, at codon 107 of the GLB1 protein (p.Phe107Leu).

Ambry Genetics
Classification: Likely pathogenic for Inborn genetic diseases. Last evaluated: 2016-09-12. Review status: criteria provided, single submitter. Criteria: Ambry exome assertion method (8-5-2015). Collection method: clinical testing. Allele origin: germline. Affected: yes. Observed: 1 variant allele.

Laboratory of Molecular Genetics MedGen
No classification provided. Condition: Juvenile GM>1< gangliosidosis. Review status: no classification provided. Collection method: not provided. Allele origin: unknown. Not counted in ClinVar's aggregate classification.

Literature cited by the submitters: PubMed 20175788 (cited by 4 submitters); PubMed 34514040 (cited by Natera, Inc.); PubMed 23337983 (cited by Natera, Inc.); PubMed 21520340 (cited by Natera, Inc.); PubMed 26108645 (cited by Women's Health and Genetics/Laboratory Corporation of America, LabCorp); PubMed 22128166 (cited by Ambry Genetics).